The following is an entry in ClinVar:

ClinVar aggregate classification (germline): Likely pathogenic (1 of 4 stars; one submission).

Conditions:
Developmental and epileptic encephalopathy 6B. Also called: Developmental and epileptic encephalopathy 6B, non-Dravet. Identifiers: MedGen C5543353, MONDO:0030268, OMIM 619317.

Submission:

Lifecell International Pvt. Ltd
Classification: Likely pathogenic for Developmental and epileptic encephalopathy 6B. Review status: criteria provided, single submitter. Criteria: ACMG Guidelines, 2015. Collection method: clinical testing. Allele origin: germline. Inheritance: Autosomal dominant inheritance. Affected: yes.
Comment: The missense variant NM_001165963.4 (SCN1A):c.3999G>A (p.Met1333Ile) has not been reported previously as a pathogenic variant nor as a benign variant, to our knowledge. The p.Met1333Ile variant is novel (not in any individuals) in gnomAD. The p.Met1333Ile variant is novel (not in any individuals) in 1kG. There is a small physicochemical difference between methionine and isoleucine. The gene SCN1A has a low rate of benign missense variation as indicated by a high missense variants Z-Score of 5.23. Missense Variants Z-Score is produced by the Exome Aggregation Consortium (60,706 adult humans) by computing a signed Z score for the deviation of observed counts from the expected number. Positive Z scores indicate increased constraint (intolerance to variation) and therefore that the gene had fewer missense variants than expected. (DOI: 10.1038/nature19057). The Missense Badness and MPC scores for this variant is 0.46 and 1.86 respectively. Missense Badness Score is the normalized fold difference of missense substitutions between observed and expected variants from ExAC dataset. This score is then combined with orthogonal deleteriousness metrics into one score called MPC (for Missense badness, PolyPhen-2, and Constraint) designed to classify whether a missense variants is deleterious. Variants with MPC ≥ 2 have a rate nearly 6 times higher in cases than in controls. While those with intermediate MPC values (1 ≤ MPC < 2) have a more modest excess in cases. The gene SCN1A contains 452 pathogenic missense variants, indicating that missense variants are a common mechanism of disease in this gene. The observed variant lies Ion transport protein domain of the SCN1A_HUMAN protein and 4 variants within 6 amino acid positions of the variant p.Met1333Ile have been shown to be pathogenic, while none have been shown to be benign. The p.Met1333Ile missense variant is predicted to be damaging by both SIFT and PolyPhen2. The methionine residue at codon 1333 of SCN1A is conserved in all mammalian species. The nucleotide c.3999 in SCN1A is predicted conserved by GERP++ and PhyloP across 100 vertebrates. For these reasons, this variant has been classified as Likely Pathogenic.

NM_001165963.4(SCN1A):c.3999G>A (p.Met1333Ile)

Genes: SCN1A (sodium voltage-gated channel alpha subunit 1; minus strand), LOC102724058 (uncharacterized LOC102724058; plus strand). Cytogenetic location: 2q24.3.
Variant type: single nucleotide variant.
Coding change: c.3999G>A on transcript NM_001165963.4 (MANE Select); coding-DNA position 3999, G replaced by A.
Protein change: p.Met1333Ile; replaces methionine 1333 with isoleucine.
Molecular consequence: missense variant. On other transcripts: non-coding transcript variant (1).
Genome position (GRCh38, 1-based): chr2:166,009,722, C>T on the plus strand (G>A on the coding strand, the complement: SCN1A is on the minus strand). VCF-style: chr2-166009722-C-T. GRCh37 (hg19) VCF-style: chr2-166866232-C-T.
Other names: c.3915G>A, p.Met1305Ile (NM_001165964.3, NM_001353957.2, NM_001353958.2); c.3999G>A, p.Met1333Ile (NM_001202435.3, NM_001353948.2); c.3966G>A, p.Met1322Ile (NM_001353949.2, NM_001353950.2, NM_001353951.2 and 2 more transcripts); c.3963G>A, p.Met1321Ile (NM_001353954.2, NM_001353955.2); c.3912G>A, p.Met1304Ile (NM_001353960.2); c.1557G>A, p.Met519Ile (NM_001353961.2); short protein forms M1304I, M1305I, M1321I, M1322I, M1333I, M519I.
Identifiers: ClinVar variation 2430161 (VCV002430161.2), dbSNP rs1559140155, ClinGen allele CA349052845.